The following is an entry in ClinVar:

NM_012186.3(FOXE3):c.548C>T (p.Pro183Leu)

Genes: FOXE3 (forkhead box E3; plus strand), LINC01389 (long intergenic non-protein coding RNA 1389; minus strand). Cytogenetic location: 1p33.
Variant type: single nucleotide variant.
Coding change: c.548C>T on transcript NM_012186.3 (MANE Select); coding-DNA position 548, C replaced by T.
Protein change: p.Pro183Leu; replaces proline 183 with leucine.
Molecular consequence: missense variant.
Genome position (GRCh38, 1-based): chr1:47,416,863, C>T. VCF-style: chr1-47416863-C-T. GRCh37 (hg19) VCF-style: chr1-47882535-C-T.
Other names: short protein forms P183L.
Identifiers: ClinVar variation 4259174 (VCV004259174.1).

ClinVar aggregate classification (germline): Uncertain significance (1 of 4 stars; one submission).

Conditions:
Cardiovascular phenotype. Identifiers: MedGen CN230736.

Submission:

Ambry Genetics
Classification: Uncertain significance for Cardiovascular phenotype. Last evaluated: 2025-07-09. Review status: criteria provided, single submitter. Criteria: Ambry Variant Classification Scheme 2023. Collection method: clinical testing. Allele origin: germline.
Comment: The p.P183L variant (also known as c.548C>T), located in coding exon 1 of the FOXE3 gene, results from a C to T substitution at nucleotide position 548. The proline at codon 183 is replaced by leucine, an amino acid with similar properties. This amino acid position is conserved. In addition, this alteration is predicted to be tolerated by in silico analysis. Based on the available evidence, the clinical significance of this variant remains unclear.